The following is an entry in ClinVar:

ClinVar aggregate classification (germline): Uncertain significance (1 of 4 stars; one submission).

Conditions:
Brugada syndrome 8 (BRGDA8). Identifiers: Orphanet 130, MedGen C2751083, MONDO:0013148, OMIM 613123.

Submission:

Labcorp Genetics (formerly Invitae), Labcorp
Classification: Uncertain significance for Brugada syndrome 8. Last evaluated: 2025-01-13. Review status: criteria provided, single submitter. Criteria: Invitae Variant Classification Sherloc (09022015). Collection method: clinical testing. Allele origin: germline.
Comment: This sequence change replaces glycine, which is neutral and non-polar, with cysteine, which is neutral and slightly polar, at codon 83 of the HCN4 protein (p.Gly83Cys). This variant is not present in population databases (gnomAD no frequency). This variant has not been reported in the literature in individuals affected with HCN4-related conditions. Invitae Evidence Modeling of protein sequence and biophysical properties (such as structural, functional, and spatial information, amino acid conservation, physicochemical variation, residue mobility, and thermodynamic stability) indicates that this missense variant is not expected to disrupt HCN4 protein function with a negative predictive value of 95%. In summary, the available evidence is currently insufficient to determine the role of this variant in disease. Therefore, it has been classified as a Variant of Uncertain Significance.

NM_005477.3(HCN4):c.247G>T (p.Gly83Cys)

Gene: HCN4 (hyperpolarization activated cyclic nucleotide gated potassium channel 4; minus strand). Cytogenetic location: 15q24.1.
Variant type: single nucleotide variant.
Coding change: c.247G>T on transcript NM_005477.3 (MANE Select); coding-DNA position 247, G replaced by T.
Protein change: p.Gly83Cys; replaces glycine 83 with cysteine.
Molecular consequence: missense variant.
Genome position (GRCh38, 1-based): chr15:73,368,024, C>A on the plus strand (G>T on the coding strand, the complement: HCN4 is on the minus strand). VCF-style: chr15-73368024-C-A. GRCh37 (hg19) VCF-style: chr15-73660365-C-A.
Other names: short protein forms G83C.
Identifiers: ClinVar variation 3636622 (VCV003636622.2).
Genomic context (GRCh38, chr15:73,368,024, plus strand): 5'-GCGAGGCCAGGCTCCCGCGGAAGCGCCTGCAGTCGCCGTTCGTGCTGGACTTGCCCGCGC[C>A]GCGGGCCGGCCCTTCGCTGTCCGCTGCCCCGAGGGCCGAGCTCCGGGACTCCGTGCCACC-3'
Protein context (NP_005468.1, residues 73-93): GAADSEGPAR[Gly83Cys]AGKSSTNGDC